The following is an entry in ClinVar:

NM_000455.5(STK11):c.622G>A (p.Asp208Asn)

Gene: STK11 (serine/threonine kinase 11; plus strand). Cytogenetic location: 19p13.3.
Variant type: single nucleotide variant.
Coding change: c.622G>A on transcript NM_000455.5 (MANE Select); coding-DNA position 622, G replaced by A.
Protein change: p.Asp208Asn; replaces aspartic acid 208 with asparagine.
Molecular consequence: missense variant.
Genome position (GRCh38, 1-based): chr19:1,220,605, G>A. VCF-style: chr19-1220605-G-A. GRCh37 (hg19) VCF-style: chr19-1220604-G-A.
Other names: short protein forms D208N.
Identifiers: ClinVar variation 490167 (VCV000490167.19), dbSNP rs1555738372, ClinGen allele CA402949483.

ClinVar aggregate classification (germline): Uncertain significance. Review status: criteria provided, multiple submitters, no conflicts (2 of 4 stars). 5 submissions from 5 submitters: Uncertain significance (5). Last evaluated 2025-09-03.

Conditions:
Peutz-Jeghers syndrome (PJS). Also called: POLYPOSIS, HAMARTOMATOUS INTESTINAL; POLYPS-AND-SPOTS SYNDROME; Peutz-Jeghers polyposis; Periorificial lentiginosis syndrome. Identifiers: Orphanet 2869, MedGen C0031269, MeSH D010580, MONDO:0008280, OMIM 175200.
Hereditary cancer-predisposing syndrome. Also called: Tumor predisposition; Neoplastic Syndromes, Hereditary; Hereditary Cancer Syndrome; Hereditary neoplastic syndrome. Identifiers: Orphanet 140162, MedGen C0027672, MeSH D009386, MONDO:0015356.
Melanoma, cutaneous malignant, susceptibility to, 1 (CMM1). Also called: B-K MOLE SYNDROME; DYSPLASTIC NEVUS SYNDROME, HEREDITARY; FAMILIAL ATYPICAL MOLE-MALIGNANT MELANOMA SYNDROME; MELANOMA, MALIGNANT. Identifiers: Orphanet 618, MedGen C1835047, MONDO:0007963, OMIM 155600.

Allele frequency attached by ClinVar (database versions not stated): gnomAD exomes below 0.00001.
gnomAD v4.1: 2 of 1,595,228 alleles (0.00013%); highest among the groups gnomAD compares: South Asian, 0.0011%; no homozygotes.

Submissions (5):

Ambry Genetics
Classification: Uncertain significance for Hereditary cancer-predisposing syndrome. Last evaluated: 2025-09-03. Review status: criteria provided, single submitter. Criteria: Ambry Variant Classification Scheme 2023. Collection method: clinical testing. Allele origin: germline.
Comment: The p.D208N variant (also known as c.622G>A), located in coding exon 5 of the STK11 gene, results from a G to A substitution at nucleotide position 622. The aspartic acid at codon 208 is replaced by asparagine, an amino acid with highly similar properties. This amino acid position is highly conserved in available vertebrate species. In addition, this alteration is predicted to be tolerated by in silico analysis. Based on the available evidence, the clinical significance of this variant remains unclear.

Color Diagnostics, LLC DBA Color Health
Classification: Uncertain significance for Hereditary cancer-predisposing syndrome. Last evaluated: 2024-01-08. Review status: criteria provided, single submitter. Criteria: ACMG Guidelines, 2015. Collection method: clinical testing. Allele origin: germline.
Comment: This missense variant replaces aspartic acid with asparagine at codon 208 of the STK11 protein. Computational prediction suggests that this variant may not impact protein structure and function. Functional studies of the mutant protein have shown normal kinase activity. (PMID: 10676634). To our knowledge, this variant has not been reported in individuals affected with STK11-related disorders in the literature. This variant has not been identified in the general population by the Genome Aggregation Database (gnomAD). The available evidence is insufficient to determine the role of this variant in disease conclusively. Therefore, this variant is classified as a Variant of Uncertain Significance.

Labcorp Genetics (formerly Invitae), Labcorp
Classification: Uncertain significance for Peutz-Jeghers syndrome. Last evaluated: 2023-11-08. Review status: criteria provided, single submitter. Criteria: Invitae Variant Classification Sherloc (09022015). Collection method: clinical testing. Allele origin: germline.
Comment: This sequence change replaces aspartic acid, which is acidic and polar, with asparagine, which is neutral and polar, at codon 208 of the STK11 protein (p.Asp208Asn). This variant is not present in population databases (gnomAD no frequency). This variant has not been reported in the literature in individuals affected with STK11-related conditions. ClinVar contains an entry for this variant (Variation ID: 490167). Advanced modeling of protein sequence and biophysical properties (such as structural, functional, and spatial information, amino acid conservation, physicochemical variation, residue mobility, and thermodynamic stability) performed at Invitae indicates that this missense variant is expected to disrupt STK11 protein function with a positive predictive value of 95%. Experimental studies have shown that this missense change does not substantially affect STK11 function (PMID: 10676634, 19892943). In summary, the available evidence is currently insufficient to determine the role of this variant in disease. Therefore, it has been classified as a Variant of Uncertain Significance.

Baylor Genetics
Classification: Uncertain significance for Melanoma, cutaneous malignant, susceptibility to, 1. Last evaluated: 2023-10-23. Review status: criteria provided, single submitter. Criteria: ACMG Guidelines, 2015. Collection method: clinical testing. Allele origin: unknown.

Genome-Nilou Lab
Classification: Uncertain significance for Peutz-Jeghers syndrome. Last evaluated: 2021-07-15. Review status: criteria provided, single submitter. Criteria: ACMG Guidelines, 2015. Collection method: clinical testing. Allele origin: germline. Affected: no.

Literature cited by the submitters: PubMed 10676634 (cited by Color Diagnostics, LLC DBA Color Health and Labcorp Genetics (formerly Invitae), Labcorp); PubMed 19892943 (cited by Labcorp Genetics (formerly Invitae), Labcorp).